The following continues an entry in ClinVar:

NM_000059.4(BRCA2):c.5238dup (p.Asn1747Ter)

Gene: BRCA2. ClinVar aggregate classification (germline): Pathogenic. Pathogenic (1).

Submissions 26 to 44 of 44:

Mayo Clinic Laboratories, Mayo Clinic
Classification: Pathogenic. Last evaluated: 2020-12-07. Review status: criteria provided, single submitter. Criteria: ACMG Guidelines, 2015. Collection method: clinical testing. Allele origin: germline. Observed: 1 variant allele. Not counted in ClinVar's aggregate classification.
Comment: PVS1, PM2, PP5

Institute of Human Genetics, University of Leipzig Medical Center
Classification: Pathogenic for Familial cancer of breast. Last evaluated: 2019-01-01. Review status: criteria provided, single submitter. Criteria: ACMG Guidelines, 2015. Collection method: clinical testing. Allele origin: unknown. Affected: no. Not counted in ClinVar's aggregate classification.

Institute for Biomarker Research, Medical Diagnostic Laboratories, L.L.C.
Classification: Pathogenic for Hereditary cancer-predisposing syndrome. Last evaluated: 2018-01-16. Review status: criteria provided, single submitter. Criteria: ACMG Guidelines, 2015. Collection method: clinical testing. Allele origin: germline. Not counted in ClinVar's aggregate classification.

Clinical Genetics and Genomics, Karolinska University Hospital
Classification: Pathogenic. Last evaluated: 2017-09-22. Review status: criteria provided, single submitter. Criteria: ACMG Guidelines, 2015. Collection method: clinical testing. Allele origin: germline. Affected: yes. Observed: 1 variant allele. Not counted in ClinVar's aggregate classification.

Department of Pathology and Molecular Medicine, Queen's University
Classification: Pathogenic for Hereditary breast ovarian cancer syndrome. Last evaluated: 2017-04-20. Review status: criteria provided, single submitter. Criteria: ACMG Guidelines, 2015. Collection method: clinical testing. Allele origin: germline. Study: The Canadian Open Genetics Repository (COGR). Not counted in ClinVar's aggregate classification.

Molecular Genetics Laboratory, University of Michigan
Classification: Pathogenic for Breast-ovarian cancer, familial, susceptibility to, 2. Last evaluated: 2016-04-21. Review status: criteria provided, single submitter. Criteria: ACMG Guidelines, 2015. Collection method: clinical testing. Allele origin: germline. Affected: yes. Not counted in ClinVar's aggregate classification.

CHEO Genetics Diagnostic Laboratory, Children's Hospital of Eastern Ontario
Classification: Pathogenic for Hereditary breast ovarian cancer syndrome. Last evaluated: 2015-11-06. Review status: criteria provided, single submitter. Criteria: ACMG Guidelines, 2015. Collection method: clinical testing. Allele origin: germline. Study: The Canadian Open Genetics Repository (COGR). Not counted in ClinVar's aggregate classification.

Consortium of Investigators of Modifiers of BRCA1/2 (CIMBA), c/o University of Cambridge
Classification: Pathogenic for Breast-ovarian cancer, familial, susceptibility to, 2. Last evaluated: 2015-10-02. Review status: criteria provided, single submitter. Criteria: CIMBA Mutation Classification guidelines May 2016. Collection method: clinical testing. Allele origin: germline. Not counted in ClinVar's aggregate classification.

Genesis Genomics
Classification: Pathogenic for Breast-ovarian cancer, familial, susceptibility to, 2. Review status: criteria provided, single submitter. Criteria: ACMG Guidelines, 2015. Collection method: clinical testing. Allele origin: germline. Affected: no. Observed: 1 variant allele. Not counted in ClinVar's aggregate classification.

Juno Genomics, Hangzhou Juno Genomics, Inc
Classification: Pathogenic for Familial cancer of breast; Breast-ovarian cancer, familial, susceptibility to, 2; Glioma susceptibility 3; Medulloblastoma; Pancreatic cancer, susceptibility to, 2; Familial prostate cancer; Fanconi anemia complementation group D1; Wilms tumor 1. Review status: criteria provided, single submitter. Criteria: ACMG Guidelines, 2015. Collection method: clinical testing. Allele origin: germline. Not counted in ClinVar's aggregate classification.
Comment: Null variant in a gene where loss of function (LOF) is a known mechanism of disease.;Novel missense change at an amino acid residue where a different missense change determined to be pathogenic has been seen before.

BRCAlab, Lund University
Classification: Pathogenic for Breast-ovarian cancer, familial, susceptibility to, 2. Last evaluated: 2022-08-26. Review status: no assertion criteria provided. Collection method: clinical testing. Allele origin: germline. Affected: yes. Not counted in ClinVar's aggregate classification.

CZECANCA consortium
Classification: Pathogenic for Breast and/or ovarian cancer. Last evaluated: 2019-06-11. Review status: no assertion criteria provided. Collection method: clinical testing. Allele origin: germline. Affected: yes. Observed: 1 variant allele. Not counted in ClinVar's aggregate classification.

Counsyl
Classification: Pathogenic for Breast-ovarian cancer, familial, susceptibility to, 2. Last evaluated: 2015-12-28. Review status: no assertion criteria provided. Collection method: clinical testing. Allele origin: unknown. Not counted in ClinVar's aggregate classification.

Research Molecular Genetics Laboratory, Women's College Hospital, University of Toronto
Classification: Pathogenic for Hereditary breast ovarian cancer syndrome. Last evaluated: 2014-01-31. Review status: no assertion criteria provided. Collection method: research. Allele origin: germline. Affected: yes. Study: The Canadian Open Genetics Repository (COGR). Not counted in ClinVar's aggregate classification.

Sharing Clinical Reports Project (SCRP)
Classification: Pathogenic for Breast-ovarian cancer, familial 2. Last evaluated: 2011-05-06. Review status: no assertion criteria provided. Collection method: clinical testing. Allele origin: germline. Not counted in ClinVar's aggregate classification.

Breast Cancer Information Core (BIC) (BRCA2)
No classification provided. Condition: Breast-ovarian cancer, familial 2. Review status: no classification provided. Collection method: clinical testing. Allele origin: germline, somatic. Affected: yes. Observed: 10 variant alleles. Not counted in ClinVar's aggregate classification.

Clinical Genetics DNA and cytogenetics Diagnostics Lab, Erasmus MC, Erasmus Medical Center
Classification: Pathogenic. Review status: no assertion criteria provided. Collection method: clinical testing. Allele origin: germline. Affected: yes. Study: VKGL Data-share Consensus. Not counted in ClinVar's aggregate classification.

Department of Pathology and Laboratory Medicine, Sinai Health System
Classification: Pathogenic for Malignant tumor of breast. Review status: no assertion criteria provided. Collection method: clinical testing. Allele origin: unknown. Affected: yes. Study: The Canadian Open Genetics Repository (COGR). Not counted in ClinVar's aggregate classification.
Comment: The BRCA2 p.Asn1747X variant was identified in 3 of 1936 proband chromosomes (frequency: 0.002) from German and Czech individuals or families with breast/ovarian or triple negative breast cancers (Meindl 2002, Pohlreich 2005, Pern 2012). The variant was also identified in dbSNP (ID: rs80359499) â€šÃ„ÃºWith Pathogenic alleleâ€šÃ„Ã¹, but no frequency information was provided, thus the prevalence of this variant in the general population could not be determined. The variant was identified in HGMD, the BIC database (9X with pathogenic clinical importance), and in Clinvitae (3x), the ClinVar database by multiple submitters (the Sharing Clinical Reports Project (SCRP) (submitted within the ClinVar database and derived from Myriad reports) as a pathogenic variant, 2X by BIC (both somatic and germline) classification not provided, Invitae, classification not provided, classified as pathogenic by Ambry Genetics, GeneDX and Molecular Diagnostic Laboratory - CHEO ). The c.5238 duplication variant is predicted to cause a frameshift, which alters the protein's amino acid sequence beginning at codon 1747 and leads to a premature stop codon at position 1747. This alteration is then predicted to result in a truncated or absent protein and loss of function. Loss of function variants of the BRCA2 gene are an established mechanism of disease in hereditary breast and ovarian cancer and is the type of variant expected to cause the disorder. In summary, based on the above information, this variant meets our laboratoryâ€šÃ„Ã´s criteria to be classified as pathogenic.

Diagnostic Laboratory, Department of Genetics, University Medical Center Groningen
Classification: Pathogenic. Review status: no assertion criteria provided. Collection method: clinical testing. Allele origin: germline. Affected: yes. Study: VKGL Data-share Consensus. Not counted in ClinVar's aggregate classification.

Literature cited by the submitters: PubMed 20104584 (cited by Labcorp Genetics (formerly Invitae), Labcorp and GeneKor MSA); PubMed 11802209 (cited by 9 submitters); PubMed 16168118 (cited by 6 submitters); PubMed 23110154 (cited by 7 submitters); PubMed 25682074 (cited by 7 submitters); PubMed 26681312 (cited by 6 submitters); PubMed 39080120 (cited by OLLIN Analises Genomicas, OLLIN); PubMed 27930734 (cited by OLLIN Analises Genomicas, OLLIN); PubMed 35382848 (cited by OLLIN Analises Genomicas, OLLIN); PubMed 30441849 (cited by OLLIN Analises Genomicas, OLLIN); PubMed 39142283 (cited by OLLIN Analises Genomicas, OLLIN); PubMed 32885271 (cited by Center for Genomic Medicine, Rigshospitalet, Copenhagen University Hospital and Quest Diagnostics Nichols Institute San Juan Capistrano); PubMed 18703817 (cited by 5 submitters); PubMed 22430266 (cited by Ambry Genetics and Quest Diagnostics Nichols Institute San Juan Capistrano); PubMed 26022348 (cited by 3 submitters); PubMed 9667259 (cited by 4 submitters); PubMed 16234499 (cited by 3 submitters); PubMed 24504028 (cited by 3 submitters); PubMed 24728189 (cited by 5 submitters); PubMed 25186627 (cited by 4 submitters); PubMed 30702160 (cited by Quest Diagnostics Nichols Institute San Juan Capistrano); PubMed 32719484 (cited by Quest Diagnostics Nichols Institute San Juan Capistrano); PubMed 34399810 (cited by Quest Diagnostics Nichols Institute San Juan Capistrano); PubMed 26295337 (cited by Quest Diagnostics Nichols Institute San Juan Capistrano); PubMed 30254663 (cited by Mayo Clinic Laboratories, Mayo Clinic); PubMed 27535533 (cited by Mayo Clinic Laboratories, Mayo Clinic); PubMed 32295079 (cited by CZECANCA consortium).